The following is an entry in ClinVar:

NM_022356.4(P3H1):c.2124G>C (p.Glu708Asp)

Gene: P3H1 (prolyl 3-hydroxylase 1; minus strand). Cytogenetic location: 1p34.2.
Variant type: single nucleotide variant.
Coding change: c.2124G>C on transcript NM_022356.4 (MANE Select); coding-DNA position 2124, G replaced by C.
Protein change: p.Glu708Asp; replaces glutamic acid 708 with aspartic acid.
Molecular consequence: missense variant. On other transcripts: 3 prime UTR variant (2).
Genome position (GRCh38, 1-based): chr1:42,746,784, C>G on the plus strand (G>C on the coding strand, the complement: P3H1 is on the minus strand). VCF-style: chr1-42746784-C-G. GRCh37 (hg19) VCF-style: chr1-43212455-C-G.
Other names: c.*49G>C (NM_001146289.2); c.*128G>C (NM_001243246.2); short protein forms E708D.
Identifiers: ClinVar variation 2202263 (VCV002202263.5), dbSNP rs774761396, ClinGen allele CA801518.

ClinVar aggregate classification (germline): Uncertain significance. Review status: criteria provided, multiple submitters, no conflicts (2 of 4 stars). 2 submissions from 2 submitters: Uncertain significance (2). Last evaluated 2024-11-11.

Conditions:
Inborn genetic diseases. Identifiers: MedGen C0950123, MeSH D030342.
Osteogenesis imperfecta type 8 (OI8). Identifiers: MedGen C1970458, MONDO:0012581, OMIM 610915.

Allele frequency attached by ClinVar (database versions not stated): ExAC 0.00003.
gnomAD v4.1: 7 of 1,572,516 alleles (0.00045%); highest among the groups gnomAD compares: Non-Finnish European, 0.00052%; no homozygotes.

Submissions (2):

Labcorp Genetics (formerly Invitae), Labcorp
Classification: Uncertain significance for Osteogenesis imperfecta type 8. Last evaluated: 2024-11-11. Review status: criteria provided, single submitter. Criteria: Invitae Variant Classification Sherloc (09022015). Collection method: clinical testing. Allele origin: germline.
Comment: This sequence change replaces glutamic acid, which is acidic and polar, with aspartic acid, which is acidic and polar, at codon 708 of the P3H1 protein (p.Glu708Asp). This variant is present in population databases (rs774761396, gnomAD 0.001%). This variant has not been reported in the literature in individuals affected with P3H1-related conditions. ClinVar contains an entry for this variant (Variation ID: 2202263). Invitae Evidence Modeling of protein sequence and biophysical properties (such as structural, functional, and spatial information, amino acid conservation, physicochemical variation, residue mobility, and thermodynamic stability) indicates that this missense variant is not expected to disrupt P3H1 protein function with a negative predictive value of 80%. In summary, the available evidence is currently insufficient to determine the role of this variant in disease. Therefore, it has been classified as a Variant of Uncertain Significance.

Ambry Genetics
Classification: Uncertain significance for Inborn genetic diseases. Last evaluated: 2023-12-31. Review status: criteria provided, single submitter. Criteria: Ambry Variant Classification Scheme 2023. Collection method: clinical testing. Allele origin: germline.